The following is an entry in ClinVar:

ClinVar aggregate classification (germline): Uncertain significance (1 of 4 stars; one submission).

Conditions:
Inborn genetic diseases. Identifiers: MedGen C0950123, MeSH D030342.

Submission:

Ambry Genetics
Classification: Uncertain significance for Inborn genetic diseases. Last evaluated: 2026-03-23. Review status: criteria provided, single submitter. Criteria: Ambry Variant Classification Scheme 2023. Collection method: clinical testing. Allele origin: germline.
Comment: The p.G256V variant (also known as c.767G>T), located in coding exon 9 of the ASXL1 gene, results from a G to T substitution at nucleotide position 767. The glycine at codon 256 is replaced by valine, an amino acid with dissimilar properties. This amino acid position is conserved. In addition, the in silico prediction for this alteration is inconclusive. Based on the available evidence, the clinical significance of this variant remains unclear.

NM_015338.6(ASXL1):c.767G>T (p.Gly256Val)

Gene: ASXL1 (ASXL transcriptional regulator 1; plus strand). Cytogenetic location: 20q11.21.
Variant type: single nucleotide variant.
Coding change: c.767G>T on transcript NM_015338.6 (MANE Select); coding-DNA position 767, G replaced by T.
Protein change: p.Gly256Val; replaces glycine 256 with valine.
Molecular consequence: missense variant.
Genome position (GRCh38, 1-based): chr20:32,431,369, G>T. VCF-style: chr20-32431369-G-T. GRCh37 (hg19) VCF-style: chr20-31019172-G-T.
Other names: c.584G>T, p.Gly195Val (NM_001363734.1); short protein forms G195V, G256V.
Identifiers: ClinVar variation 4864077 (VCV004864077.1).
Genomic context (GRCh38, chr20:32,431,369, plus strand): 5'-CAAAAATCATAGGTCAAATGAAGCGCAACAGAGGGGAAGAAATAGATTTTGAGACACCTG[G>T]GTCCATTCTTGTCAACACCAACCTCCGTGCCCTGATCAACTCTCGGACCTTCCATGCCTT-3'
Protein context (NP_056153.2, residues 246-266): RGEEIDFETP[Gly256Val]SILVNTNLRA